The following is an entry in ClinVar:

ClinVar aggregate classification (germline): Uncertain significance (1 of 4 stars; one submission).

Conditions:
Congenital myopathy with internal nuclei and atypical cores. Also called: Myopathy, centronuclear, 4. Identifiers: Orphanet 319160, MedGen C4707232, MONDO:0013890, OMIM 614807.

gnomAD v4.1: 2 of 1,541,708 alleles (0.00013%); highest among the groups gnomAD compares: East Asian, 0.0024%; no homozygotes.

Submission:

Labcorp Genetics (formerly Invitae), Labcorp
Classification: Uncertain significance for Congenital myopathy with internal nuclei and atypical cores. Last evaluated: 2021-08-19. Review status: criteria provided, single submitter. Criteria: Invitae Variant Classification Sherloc (09022015). Collection method: clinical testing. Allele origin: germline.
Comment: Algorithms developed to predict the effect of missense changes on protein structure and function output the following: SIFT: "Tolerated"; PolyPhen-2: "Probably Damaging"; Align-GVGD: "Class C0". The valine amino acid residue is found in multiple mammalian species, which suggests that this missense change does not adversely affect protein function. This sequence change replaces alanine with valine at codon 5 of the CCDC78 protein (p.Ala5Val). The alanine residue is highly conserved and there is a small physicochemical difference between alanine and valine. This variant is not present in population databases (ExAC no frequency). This variant has not been reported in the literature in individuals affected with CCDC78-related conditions. In summary, the available evidence is currently insufficient to determine the role of this variant in disease. Therefore, it has been classified as a Variant of Uncertain Significance.

NM_001378030.1(CCDC78):c.14C>T (p.Ala5Val)

Gene: CCDC78 (coiled-coil domain containing 78; minus strand). Cytogenetic location: 16p13.3.
Variant type: single nucleotide variant.
Coding change: c.14C>T on transcript NM_001378030.1 (MANE Select); coding-DNA position 14, C replaced by T.
Protein change: p.Ala5Val; replaces alanine 5 with valine.
Molecular consequence: missense variant. On other transcripts: non-coding transcript variant (3), intron variant (1).
Genome position (GRCh38, 1-based): chr16:726,354, G>A on the plus strand (C>T on the coding strand, the complement: CCDC78 is on the minus strand). VCF-style: chr16-726354-G-A. GRCh37 (hg19) VCF-style: chr16-776354-G-A.
Other names: c.14C>T, p.Ala5Val (NM_001031737.3, NM_001378031.1); c.-225-269C>T (NM_001378033.1); short protein forms A5V.
Identifiers: ClinVar variation 1359656 (VCV001359656.6), dbSNP rs2151579428, ClinGen allele CA394106452.
Genomic context (GRCh38, chr16:726,354, plus strand): 5'-CCCAGAGGACTCACATTCTCCACCCGCCGAGAGGGAGGTCCAGGCCTGGGGCCTGTGGTG[G>A]CTGCGTGCTCCATAGGCTAGGGAACCCTGGCCAGCTCCGAGCCCGGTGCTGCCTCCACGC-3'
Protein context (NP_001364959.1, residues 1-15): MEHA[Ala5Val]TTGPRPGPPS